The following is an entry in ClinVar:

ClinVar aggregate classification (germline): Uncertain significance. Review status: criteria provided, multiple submitters, no conflicts (2 of 4 stars). 2 submissions from 2 submitters: Uncertain significance (2). Last evaluated 2022-09-23.

Conditions:
Pyogenic arthritis-pyoderma gangrenosum-acne syndrome (PAPA). Also called: FAMILIAL RECURRENT ARTHRITIS; PAPA SYNDROME. Identifiers: Orphanet 69126, MedGen C1858361, MONDO:0011462, OMIM 604416.

Allele frequency attached by ClinVar (database versions not stated): TOPMed below 0.00001; gnomAD 0.00001.
gnomAD v4.1: 12 of 1,612,508 alleles (0.00074%); highest among the groups gnomAD compares: Non-Finnish European, 0.00093%; no homozygotes.

Submissions (2):

Labcorp Genetics (formerly Invitae), Labcorp
Classification: Uncertain significance for Pyogenic arthritis-pyoderma gangrenosum-acne syndrome. Last evaluated: 2022-09-23. Review status: criteria provided, single submitter. Criteria: Invitae Variant Classification Sherloc (09022015). Collection method: clinical testing. Allele origin: germline.
Comment: This sequence change replaces alanine, which is neutral and non-polar, with serine, which is neutral and polar, at codon 280 of the PSTPIP1 protein (p.Ala280Ser). This variant also falls at the last nucleotide of exon 11, which is part of the consensus splice site for this exon. This variant is present in population databases (rs778642250, gnomAD 0.003%). This variant has not been reported in the literature in individuals affected with PSTPIP1-related conditions. Algorithms developed to predict the effect of missense changes on protein structure and function (SIFT, PolyPhen-2, Align-GVGD) all suggest that this variant is likely to be tolerated. Variants that disrupt the consensus splice site are a relatively common cause of aberrant splicing (PMID: 17576681, 9536098). Algorithms developed to predict the effect of sequence changes on RNA splicing suggest that this variant may disrupt the consensus splice site. In summary, the available evidence is currently insufficient to determine the role of this variant in disease. Therefore, it has been classified as a Variant of Uncertain Significance.

Blueprint Genetics
Classification: Uncertain significance. Last evaluated: 2022-03-10. Review status: criteria provided, single submitter. Criteria: ACMG Guidelines, 2015. Collection method: clinical testing. Allele origin: germline.

Literature cited by the submitters: PubMed 17576681 (cited by Labcorp Genetics (formerly Invitae), Labcorp); PubMed 9536098 (cited by Labcorp Genetics (formerly Invitae), Labcorp).

NM_003978.5(PSTPIP1):c.838G>T (p.Ala280Ser)

Gene: PSTPIP1 (proline-serine-threonine phosphatase interacting protein 1; plus strand). Cytogenetic location: 15q24.3.
Variant type: single nucleotide variant.
Coding change: c.838G>T on transcript NM_003978.5 (MANE Select); coding-DNA position 838, G replaced by T.
Protein change: p.Ala280Ser; replaces alanine 280 with serine.
Molecular consequence: missense variant.
Genome position (GRCh38, 1-based): chr15:77,032,394, G>T. VCF-style: chr15-77032394-G-T. GRCh37 (hg19) VCF-style: chr15-77324735-G-T.
Other names: c.838G>T, p.Gly280Cys (NM_001321135.2); c.811G>T, p.Ala271Ser (NM_001321136.2); c.1033G>T, p.Ala345Ser (NM_001321137.1); c.838G>T, p.Ala280Ser (NM_001411086.1); short protein forms G280C, A271S, A280S, A345S.
Identifiers: ClinVar variation 1956452 (VCV001956452.6), dbSNP rs778642250, ClinGen allele CA7675998.
Genomic context (GRCh38, chr15:77,032,394, plus strand): 5'-AGCATAGACGCCGACATCGACAGTTTCATCCAGGCCAAGAGCACGGGCACAGAGCCCCCC[G>T]GTGAGGTCCGGCTTGCGGACAGCGCAGCCTCTAGGTGCATTGAGCCCCTGGGAAGGCCCG-3'
Protein context (NP_003969.2, residues 270-290): QAKSTGTEPP[Ala280Ser]PVPYQNYYDR